The following is an entry in ClinVar:

ClinVar aggregate classification (germline): Uncertain significance (1 of 4 stars; one submission).

Submission:

Labcorp Genetics (formerly Invitae), Labcorp
Classification: Uncertain significance. Last evaluated: 2023-08-04. Review status: criteria provided, single submitter. Criteria: Invitae Variant Classification Sherloc (09022015). Collection method: clinical testing. Allele origin: germline.
Comment: In summary, the available evidence is currently insufficient to determine the role of this variant in disease. Therefore, it has been classified as a Variant of Uncertain Significance. Algorithms developed to predict the effect of missense changes on protein structure and function output the following: SIFT: "Not Available"; PolyPhen-2: "Benign"; Align-GVGD: "Not Available". The glycine amino acid residue is found in multiple mammalian species, which suggests that this missense change does not adversely affect protein function. This variant has not been reported in the literature in individuals affected with VCAN-related conditions. This variant is not present in population databases (gnomAD no frequency). This sequence change replaces glutamic acid, which is acidic and polar, with glycine, which is neutral and non-polar, at codon 2219 of the VCAN protein (p.Glu2219Gly).

NM_004385.5(VCAN):c.6656A>G (p.Glu2219Gly)

Genes: VCAN (versican; plus strand), VCAN-AS1 (VCAN antisense RNA 1; minus strand). Cytogenetic location: 5q14.3.
Variant type: single nucleotide variant.
Coding change: c.6656A>G on transcript NM_004385.5 (MANE Select); coding-DNA position 6656, A replaced by G.
Protein change: p.Glu2219Gly; replaces glutamic acid 2219 with glycine.
Molecular consequence: missense variant. On other transcripts: intron variant (2).
Genome position (GRCh38, 1-based): chr5:83,539,659, A>G. VCF-style: chr5-83539659-A-G. GRCh37 (hg19) VCF-style: chr5-82835478-A-G.
Other names: c.3695A>G, p.Glu1232Gly (NM_001164097.2); c.4004-5878A>G (NM_001164098.2); c.1043-5878A>G (NM_001126336.3); short protein forms E1232G, E2219G.
Identifiers: ClinVar variation 2750234 (VCV002750234.3), dbSNP rs2479114622, ClinGen allele CA360313046.